The following is an entry in ClinVar:

ClinVar aggregate classification (germline): Uncertain significance (1 of 4 stars; one submission).

Conditions:
Ataxia-telangiectasia syndrome (AT). Also called: LOUIS-BAR SYNDROME; Cerebello-oculocutaneous telangiectasia; Immunodeficiency with ataxia telangiectasia; Ataxia telangiectasia (A-T); Ataxia-telangiectasia, complementation group D; AT, COMPLEMENTATION GROUP C. Identifiers: Orphanet 100, MedGen C0004135, MONDO:0008840, OMIM 208900.

Allele frequency attached by ClinVar (database versions not stated): gnomAD exomes below 0.00001; ExAC 0.00001.
gnomAD v4.1: 1 of 1,612,600 alleles (0.000062%); highest among the groups gnomAD compares: South Asian, 0.0011%; no homozygotes.

Submission:

Labcorp Genetics (formerly Invitae), Labcorp
Classification: Uncertain significance for Ataxia-telangiectasia syndrome. Last evaluated: 2023-08-11. Review status: criteria provided, single submitter. Criteria: Invitae Variant Classification Sherloc (09022015). Collection method: clinical testing. Allele origin: germline.
Comment: This variant is present in population databases (rs780844407, gnomAD 0.003%). This variant has not been reported in the literature in individuals affected with ATM-related conditions. Algorithms developed to predict the effect of missense changes on protein structure and function output the following: SIFT: "Not Available"; PolyPhen-2: "Benign"; Align-GVGD: "Not Available". The arginine amino acid residue is found in multiple mammalian species, which suggests that this missense change does not adversely affect protein function. In summary, the available evidence is currently insufficient to determine the role of this variant in disease. Therefore, it has been classified as a Variant of Uncertain Significance. This sequence change replaces lysine, which is basic and polar, with arginine, which is basic and polar, at codon 2639 of the ATM protein (p.Lys2639Arg).

NM_000051.4(ATM):c.7916A>G (p.Lys2639Arg)

Genes: ATM (ATM serine/threonine kinase; plus strand), C11orf65 (chromosome 11 open reading frame 65; minus strand). Cytogenetic location: 11q22.3.
Variant type: single nucleotide variant.
Coding change: c.7916A>G on transcript NM_000051.4 (MANE Select); coding-DNA position 7916, A replaced by G.
Protein change: p.Lys2639Arg; replaces lysine 2639 with arginine.
Molecular consequence: missense variant. On other transcripts: intron variant (2).
Genome position (GRCh38, 1-based): chr11:108,332,889, A>G. VCF-style: chr11-108332889-A-G. GRCh37 (hg19) VCF-style: chr11-108203616-A-G.
Other names: c.7916A>G, p.Lys2639Arg (NM_001351834.2); c.641-23818T>C (NM_001330368.2); c.*38+2331T>C (NM_001351110.2); short protein forms K2639R.
Identifiers: ClinVar variation 2836901 (VCV002836901.3), dbSNP rs780844407, ClinGen allele CA6266212.